The following is an entry in ClinVar:

NM_001080449.3(DNA2):c.1202A>G (p.Asn401Ser)

Gene: DNA2 (DNA replication helicase/nuclease 2; minus strand). Cytogenetic location: 10q21.3.
Variant type: single nucleotide variant.
Coding change: c.1202A>G on transcript NM_001080449.3 (MANE Select); coding-DNA position 1202, A replaced by G.
Protein change: p.Asn401Ser; replaces asparagine 401 with serine.
Molecular consequence: missense variant. On other transcripts: non-coding transcript variant (1).
Genome position (GRCh38, 1-based): chr10:68,444,939, T>C on the plus strand (A>G on the coding strand, the complement: DNA2 is on the minus strand). VCF-style: chr10-68444939-T-C. GRCh37 (hg19) VCF-style: chr10-70204696-T-C.
Other names: short protein forms N401S.
Identifiers: ClinVar variation 3017712 (VCV003017712.25), dbSNP rs192617019, ClinGen allele CA208213369.

ClinVar aggregate classification (germline): Uncertain significance. Review status: criteria provided, multiple submitters, no conflicts (2 of 4 stars). 2 submissions from 2 submitters: Uncertain significance (2). Last evaluated 2025-05-13.

Allele frequency attached by ClinVar (database versions not stated): gnomAD exomes 0.00001; gnomAD 0.00002; TOPMed 0.00003.
gnomAD v4.1: 21 of 1,613,260 alleles (0.0013%); highest among the groups gnomAD compares: Non-Finnish European, 0.0016%; no homozygotes.

Submissions (2):

Labcorp Genetics (formerly Invitae), Labcorp
Classification: Uncertain significance. Last evaluated: 2025-05-13. Review status: criteria provided, single submitter. Criteria: Invitae Variant Classification Sherloc (09022015). Collection method: clinical testing. Allele origin: germline.
Comment: This sequence change replaces asparagine, which is neutral and polar, with serine, which is neutral and polar, at codon 401 of the DNA2 protein (p.Asn401Ser). This variant is present in population databases (rs192617019, gnomAD 0.002%). This variant has not been reported in the literature in individuals affected with DNA2-related conditions. ClinVar contains an entry for this variant (Variation ID: 3017712). An algorithm developed to predict the effect of missense changes on protein structure and function outputs the following: PolyPhen-2: "Benign". The serine amino acid residue is found in multiple mammalian species, which suggests that this missense change does not adversely affect protein function. In summary, the available evidence is currently insufficient to determine the role of this variant in disease. Therefore, it has been classified as a Variant of Uncertain Significance.

CeGaT Center for Human Genetics Tuebingen
Classification: Uncertain significance. Last evaluated: 2024-01-01. Review status: criteria provided, single submitter. Criteria: CeGaT Center For Human Genetics Tuebingen Variant Classification Criteria Version 2. Collection method: clinical testing. Allele origin: germline. Affected: yes. Observed: 1 variant allele.